The following is an entry in ClinVar:

ClinVar aggregate classification (germline): Uncertain significance. Review status: criteria provided, multiple submitters, no conflicts (2 of 4 stars). 2 submissions from 2 submitters: Uncertain significance (2). Last evaluated 2024-12-22.

Conditions:
Hereditary cancer-predisposing syndrome. Also called: Hereditary neoplastic syndrome; Neoplastic Syndromes, Hereditary; Tumor predisposition; Hereditary Cancer Syndrome. Identifiers: Orphanet 140162, MedGen C0027672, MeSH D009386, MONDO:0015356.

Allele frequency attached by ClinVar (database versions not stated): gnomAD exomes below 0.00001; ExAC 0.00001.
gnomAD v4.1: 4 of 1,614,174 alleles (0.00025%); highest among the groups gnomAD compares: Non-Finnish European, 0.00034%; no homozygotes.

Submissions (2):

Labcorp Genetics (formerly Invitae), Labcorp
Classification: Uncertain significance. Last evaluated: 2024-12-22. Review status: criteria provided, single submitter. Criteria: Invitae Variant Classification Sherloc (09022015). Collection method: clinical testing. Allele origin: germline.
Comment: This sequence change replaces leucine, which is neutral and non-polar, with methionine, which is neutral and non-polar, at codon 189 of the XRCC2 protein (p.Leu189Met). This variant is present in population databases (rs774238097, gnomAD 0.0009%). This variant has not been reported in the literature in individuals affected with XRCC2-related conditions. ClinVar contains an entry for this variant (Variation ID: 940168). Invitae Evidence Modeling of protein sequence and biophysical properties (such as structural, functional, and spatial information, amino acid conservation, physicochemical variation, residue mobility, and thermodynamic stability) indicates that this missense variant is not expected to disrupt XRCC2 protein function with a negative predictive value of 80%. In summary, the available evidence is currently insufficient to determine the role of this variant in disease. Therefore, it has been classified as a Variant of Uncertain Significance.

Ambry Genetics
Classification: Uncertain significance for Hereditary cancer-predisposing syndrome. Last evaluated: 2024-02-10. Review status: criteria provided, single submitter. Criteria: Ambry Variant Classification Scheme 2023. Collection method: clinical testing. Allele origin: germline.
Comment: The p.L189M variant (also known as c.565C>A), located in coding exon 3 of the XRCC2 gene, results from a C to A substitution at nucleotide position 565. The leucine at codon 189 is replaced by methionine, an amino acid with highly similar properties. This amino acid position is conserved. In addition, this alteration is predicted to be tolerated by in silico analysis. Since supporting evidence is limited at this time, the clinical significance of this alteration remains unclear.

NM_005431.2(XRCC2):c.565C>A (p.Leu189Met)

Gene: XRCC2 (X-ray repair cross complementing 2; minus strand). Cytogenetic location: 7q36.1.
Variant type: single nucleotide variant.
Coding change: c.565C>A on transcript NM_005431.2 (MANE Select); coding-DNA position 565, C replaced by A.
Protein change: p.Leu189Met; replaces leucine 189 with methionine.
Molecular consequence: missense variant.
Genome position (GRCh38, 1-based): chr7:152,648,920, G>T on the plus strand (C>A on the coding strand, the complement: XRCC2 is on the minus strand). VCF-style: chr7-152648920-G-T. GRCh37 (hg19) VCF-style: chr7-152346005-G-T.
Other names: short protein forms L189M.
Identifiers: ClinVar variation 940168 (VCV000940168.12), dbSNP rs774238097, ClinGen allele CA4582329.